The following is an entry in ClinVar:

NM_004360.5(CDH1):c.1261G>A (p.Gly421Arg)

Gene: CDH1 (cadherin 1; plus strand). Cytogenetic location: 16q22.1.
Variant type: single nucleotide variant.
Coding change: c.1261G>A on transcript NM_004360.5 (MANE Select); coding-DNA position 1261, G replaced by A.
Protein change: p.Gly421Arg; replaces glycine 421 with arginine.
Molecular consequence: missense variant. On other transcripts: 5 prime UTR variant (2), intron variant (1).
Genome position (GRCh38, 1-based): chr16:68,813,436, G>A. VCF-style: chr16-68813436-G-A. GRCh37 (hg19) VCF-style: chr16-68847339-G-A.
Other names: c.1261G>A (LRG_301t1); c.-355G>A (NM_001317185.2); c.-559G>A (NM_001317186.2); c.1137+1173G>A (NM_001317184.2); short protein forms G421R.
Identifiers: ClinVar variation 485479 (VCV000485479.28), dbSNP rs747256664, ClinGen allele CA8130027.

ClinVar aggregate classification (germline): Conflicting classifications of pathogenicity. Review status: criteria provided, conflicting classifications (1 of 4 stars). 4 submissions from 4 submitters: Uncertain significance (3); Likely benign (1). Last evaluated 2026-06-24.

Conditions:
Hereditary cancer-predisposing syndrome. Also called: Tumor predisposition; Hereditary Cancer Syndrome; Neoplastic Syndromes, Hereditary; Hereditary neoplastic syndrome. Identifiers: Orphanet 140162, MedGen C0027672, MeSH D009386, MONDO:0015356.
Hereditary diffuse gastric adenocarcinoma (HDGC). Also called: DIFFUSE GASTRIC AND LOBULAR BREAST CANCER SYNDROME. Identifiers: Orphanet 26106, MedGen C1708349, MONDO:0007648, OMIM 137215.

Allele frequency attached by ClinVar (database versions not stated): gnomAD exomes below 0.00001 and 0.00001; ExAC 0.00001; gnomAD 0.00002.

Submissions (4):

Institute for Biomarker Research, Medical Diagnostic Laboratories, L.L.C.
Classification: Uncertain significance for Hereditary cancer-predisposing syndrome. Last evaluated: 2026-06-24. Review status: criteria provided, single submitter. Criteria: ACMG Guidelines, 2015. Collection method: clinical testing. Allele origin: germline.
Comment: The missense variant NM_004360.5(CDH1):c.1261G>A (p.Gly421Arg) is not currently classified as pathogenic in clinical sources (Accession: VCV000485479.26). The p.Gly421Arg variant is observed in 1/21,648 (0.0046%) alleles from individuals of gnomAD European Finnish background in gnomAD All. The p.Gly421Arg variant is novel (not in any individuals) in 1kG All. There is a moderate physicochemical difference between glycine and arginine. For these reasons, this variant has been classified as Uncertain Significance.

Labcorp Genetics (formerly Invitae), Labcorp
Classification: Uncertain significance for Hereditary diffuse gastric adenocarcinoma. Last evaluated: 2025-05-04. Review status: criteria provided, single submitter. Criteria: Invitae Variant Classification Sherloc (09022015). Collection method: clinical testing. Allele origin: germline.
Comment: This sequence change replaces glycine, which is neutral and non-polar, with arginine, which is basic and polar, at codon 421 of the CDH1 protein (p.Gly421Arg). This variant is present in population databases (rs747256664, gnomAD 0.004%). This variant has not been reported in the literature in individuals affected with CDH1-related conditions. ClinVar contains an entry for this variant (Variation ID: 485479). An algorithm developed to predict the effect of missense changes on protein structure and function (PolyPhen-2) suggests that this variant is likely to be disruptive. In summary, the available evidence is currently insufficient to determine the role of this variant in disease. Therefore, it has been classified as a Variant of Uncertain Significance.

Ambry Genetics
Classification: Likely benign for Hereditary cancer-predisposing syndrome. Last evaluated: 2025-02-10. Review status: criteria provided, single submitter. Criteria: Ambry Variant Classification Scheme 2023. Collection method: clinical testing. Allele origin: germline.

Blueprint Genetics
Classification: Uncertain significance. Last evaluated: 2021-04-28. Review status: criteria provided, single submitter. Criteria: ACMG Guidelines, 2015. Collection method: clinical testing. Allele origin: germline.